The following is an entry in ClinVar:

NM_177438.3(DICER1):c.1509+12C>A

Gene: DICER1 (dicer 1, ribonuclease III; minus strand). Cytogenetic location: 14q32.13.
Variant type: single nucleotide variant.
Coding change: c.1509+12C>A on transcript NM_177438.3 (MANE Select); 12 bases into the intron after coding-DNA position 1509, C replaced by A.
Molecular consequence: intron variant.
Genome position (GRCh38, 1-based): chr14:95,117,610, G>T on the plus strand (C>A on the coding strand, the complement: DICER1 is on the minus strand). VCF-style: chr14-95117610-G-T. GRCh37 (hg19) VCF-style: chr14-95583947-G-T.
Other names: c.1509+12C>A (NM_001291628.2, NM_030621.4, NM_001395677.1 and 12 more transcripts); c.1104+12C>A (NM_001395690.1, NM_001395687.1, NM_001395689.1 and 3 more transcripts); c.1227+12C>A (NM_001395686.1); c.942+12C>A (NM_001395691.1); c.-60+12C>A (NM_001395697.1).
Identifiers: ClinVar variation 4798440 (VCV004798440.2).

ClinVar aggregate classification (germline): Benign/Likely benign. Review status: criteria provided, multiple submitters, no conflicts (2 of 4 stars). 2 submissions from 2 submitters: Benign (1); Likely benign (1). Last evaluated 2026-04-15.

Conditions:
DICER1-related tumor predisposition. Also called: DICER1-related pleuropulmonary blastoma cancer predisposition syndrome; DICER1 syndrome. Identifiers: Orphanet 284343, MedGen C3839822, MONDO:0100216.

Submissions (2):

Myriad Genetics, Inc.
Classification: Benign for DICER1-related tumor predisposition. Last evaluated: 2026-04-15. Review status: criteria provided, single submitter. Criteria: Myriad Autosomal Dominant, Autosomal Recessive and X-Linked Classification Criteria (2023). Collection method: clinical testing. Allele origin: unknown.
Comment: This variant is considered benign. This variant is intronic and is not expected to impact mRNA splicing.

Labcorp Genetics (formerly Invitae), Labcorp
Classification: Likely benign for DICER1-related tumor predisposition. Last evaluated: 2025-02-27. Review status: criteria provided, single submitter. Criteria: Invitae Variant Classification Sherloc (09022015). Collection method: clinical testing. Allele origin: germline.